The following is an entry in ClinVar:

NM_001844.5(COL2A1):c.868A>G (p.Arg290Gly)

Gene: COL2A1 (collagen type II alpha 1 chain; minus strand). Cytogenetic location: 12q13.11.
Variant type: single nucleotide variant.
Coding change: c.868A>G on transcript NM_001844.5 (MANE Select); coding-DNA position 868, A replaced by G.
Protein change: p.Arg290Gly; replaces arginine 290 with glycine.
Molecular consequence: missense variant.
Genome position (GRCh38, 1-based): chr12:47,993,996, T>C on the plus strand (A>G on the coding strand, the complement: COL2A1 is on the minus strand). VCF-style: chr12-47993996-T-C. GRCh37 (hg19) VCF-style: chr12-48387779-T-C.
Other names: c.661A>G, p.Arg221Gly (NM_033150.3); short protein forms R221G, R290G.
Identifiers: ClinVar variation 2861814 (VCV002861814.3), dbSNP rs2540169035, ClinGen allele CA384522278.

ClinVar aggregate classification (germline): Uncertain significance (1 of 4 stars; one submission).

Allele frequency attached by ClinVar (database versions not stated): gnomAD exomes below 0.00001.
gnomAD v4.1: 1 of 1,614,170 alleles (0.000062%); highest among the groups gnomAD compares: Non-Finnish European, 0.000085%; no homozygotes.

Submission:

Labcorp Genetics (formerly Invitae), Labcorp
Classification: Uncertain significance. Last evaluated: 2025-07-28. Review status: criteria provided, single submitter. Criteria: Invitae Variant Classification Sherloc (09022015). Collection method: clinical testing. Allele origin: germline.
Comment: This sequence change replaces arginine, which is basic and polar, with glycine, which is neutral and non-polar, at codon 290 of the COL2A1 protein (p.Arg290Gly). This variant is not present in population databases (gnomAD no frequency). This variant has not been reported in the literature in individuals affected with COL2A1-related conditions. ClinVar contains an entry for this variant (Variation ID: 2861814). Experimental studies and prediction algorithms are not available or were not evaluated, and the functional significance of this variant is currently unknown. In summary, the available evidence is currently insufficient to determine the role of this variant in disease. Therefore, it has been classified as a Variant of Uncertain Significance.